The following is an entry in ClinVar:

ClinVar aggregate classification (germline): Likely benign. Review status: criteria provided, multiple submitters, no conflicts (2 of 4 stars). 2 submissions from 2 submitters: Likely benign (2). Last evaluated 2025-10-07.

Conditions:
Nemaline myopathy 6 (NEM6). Also called: Nemaline myopathy 6, autosomal dominant. Identifiers: Orphanet 171439, MedGen C1836472, MONDO:0012237, OMIM 609273.

Allele frequency attached by ClinVar (database versions not stated): gnomAD exomes below 0.00001; TOPMed below 0.00001.

Submissions (2):

Labcorp Genetics (formerly Invitae), Labcorp
Classification: Likely benign for Nemaline myopathy 6. Last evaluated: 2025-10-07. Review status: criteria provided, single submitter. Criteria: Invitae Variant Classification Sherloc (09022015). Collection method: clinical testing. Allele origin: germline.

CeGaT Center for Human Genetics Tuebingen
Classification: Likely benign. Last evaluated: 2023-10-01. Review status: criteria provided, single submitter. Criteria: CeGaT Center For Human Genetics Tuebingen Variant Classification Criteria Version 2. Collection method: clinical testing. Allele origin: germline. Affected: yes. Observed: 1 variant allele.
Comment: KBTBD13: BP4, BP7

NM_001101362.3(KBTBD13):c.597G>A (p.Thr199=)

Gene: KBTBD13 (kelch repeat and BTB domain containing 13; plus strand). Cytogenetic location: 15q22.31.
Variant type: single nucleotide variant.
Coding change: c.597G>A on transcript NM_001101362.3 (MANE Select); coding-DNA position 597, G replaced by A.
Protein change: p.Thr199=; no amino-acid change (threonine 199 retained).
Molecular consequence: synonymous variant.
Genome position (GRCh38, 1-based): chr15:65,077,412, G>A. VCF-style: chr15-65077412-G-A. GRCh37 (hg19) VCF-style: chr15-65369750-G-A.
Identifiers: ClinVar variation 2645455 (VCV002645455.27), dbSNP rs1301074214, ClinGen allele CA490899086.